The following is an entry in ClinVar:

ClinVar aggregate classification (germline): Uncertain significance (1 of 4 stars; one submission).

Submission:

Labcorp Genetics (formerly Invitae), Labcorp
Classification: Uncertain significance. Last evaluated: 2025-10-01. Review status: criteria provided, single submitter. Criteria: Invitae Variant Classification Sherloc (09022015). Collection method: clinical testing. Allele origin: germline.
Comment: This sequence change replaces asparagine, which is neutral and polar, with lysine, which is basic and polar, at codon 194 of the C2 protein (p.Asn194Lys). This variant is not present in population databases (gnomAD no frequency). This variant has not been reported in the literature in individuals affected with C2-related conditions. An algorithm developed to predict the effect of missense changes on protein structure and function (PolyPhen-2) suggests that this variant is likely to be disruptive. In summary, the available evidence is currently insufficient to determine the role of this variant in disease. Therefore, it has been classified as a Variant of Uncertain Significance.

NM_000063.6(C2):c.582C>A (p.Asn194Lys)

Gene: C2 (complement C2; plus strand). Cytogenetic location: 6p21.33.
Variant type: single nucleotide variant.
Coding change: c.582C>A on transcript NM_000063.6 (MANE Select); coding-DNA position 582, C replaced by A.
Protein change: p.Asn194Lys; replaces asparagine 194 with lysine.
Molecular consequence: missense variant.
Genome position (GRCh38, 1-based): chr6:31,933,749, C>A. VCF-style: chr6-31933749-C-A. GRCh37 (hg19) VCF-style: chr6-31901526-C-A.
Other names: c.186C>A, p.Asn62Lys (NM_001145903.3); c.213C>A, p.Asn71Lys (NM_001178063.3); c.77C>A, p.Thr26Lys (NM_001282457.2); c.495C>A, p.Asn165Lys (NM_001282458.2); c.582C>A, p.Asn194Lys (NM_001282459.2); short protein forms N62K, T26K, N194K, N71K, N165K.
Identifiers: ClinVar variation 4728273 (VCV004728273.1).